The following is an entry in ClinVar:

NM_000179.3(MSH6):c.2635G>A (p.Ala879Thr)

Gene: MSH6 (mutS homolog 6; plus strand). Cytogenetic location: 2p16.3.
Variant type: single nucleotide variant.
Coding change: c.2635G>A on transcript NM_000179.3 (MANE Select); coding-DNA position 2635, G replaced by A.
Protein change: p.Ala879Thr; replaces alanine 879 with threonine.
Molecular consequence: missense variant.
Genome position (GRCh38, 1-based): chr2:47,800,618, G>A. VCF-style: chr2-47800618-G-A. GRCh37 (hg19) VCF-style: chr2-48027757-G-A.
Other names: c.2245G>A, p.Ala749Thr (NM_001281492.2); c.1729G>A, p.Ala577Thr (NM_001281493.2, NM_001281494.2, NM_001406811.1 and 6 more transcripts); c.2731G>A, p.Ala911Thr (NM_001406795.1, NM_001406802.1); c.2635G>A, p.Ala879Thr (NM_001406796.1, NM_001406798.1, NM_001406800.1 and 2 more transcripts); c.2338G>A, p.Ala780Thr (NM_001406797.1, NM_001406801.1, NM_001406805.1 and 10 more transcripts); c.2110G>A, p.Ala704Thr (NM_001406799.1, NM_001406806.1, NM_001406807.1); c.2557G>A, p.Ala853Thr (NM_001406804.1); c.2641G>A, p.Ala881Thr (NM_001406813.1); and 1 more; short protein forms A577T, A853T, A881T, A704T, A749T, A879T, A911T, A780T.
Identifiers: ClinVar variation 1794111 (VCV001794111.2), dbSNP rs1558666053, ClinGen allele CA346755088.

ClinVar aggregate classification (germline): Uncertain significance (1 of 4 stars; one submission).

Conditions:
Hereditary cancer-predisposing syndrome. Also called: Tumor predisposition; Hereditary Cancer Syndrome; Neoplastic Syndromes, Hereditary; Hereditary neoplastic syndrome. Identifiers: Orphanet 140162, MedGen C0027672, MeSH D009386, MONDO:0015356.

Allele frequency attached by ClinVar (database versions not stated): gnomAD exomes below 0.00001.

Submission:

Ambry Genetics
Classification: Uncertain significance for Hereditary cancer-predisposing syndrome. Last evaluated: 2019-01-22. Review status: criteria provided, single submitter. Criteria: Ambry Variant Classification Scheme 2023. Collection method: clinical testing. Allele origin: germline.
Comment: The p.A879T variant (also known as c.2635G>A), located in coding exon 4 of the MSH6 gene, results from a G to A substitution at nucleotide position 2635. The alanine at codon 879 is replaced by threonine, an amino acid with similar properties. This amino acid position is poorly conserved in available vertebrate species. In addition, this alteration is predicted to be tolerated by in silico analysis. In addition, the CoDP in silico tool predicts this alteration to have a minor impact on molecular function, with a score of 0.102 (Terui H et al. J. Biomed. Sci. 2013 Apr;20:25). Since supporting evidence is limited at this time, the clinical significance of this alteration remains unclear.